The following is an entry in ClinVar:

NM_003001.5(SDHC):c.44G>A (p.Arg15Gln)

Gene: SDHC (succinate dehydrogenase complex subunit C; plus strand). Cytogenetic location: 1q23.3.
Variant type: single nucleotide variant.
Coding change: c.44G>A on transcript NM_003001.5 (MANE Select); coding-DNA position 44, G replaced by A.
Protein change: p.Arg15Gln; replaces arginine 15 with glutamine.
Molecular consequence: missense variant. On other transcripts: 5 prime UTR variant (2), non-coding transcript variant (1), intron variant (4).
Genome position (GRCh38, 1-based): chr1:161,323,637, G>A. VCF-style: chr1-161323637-G-A. GRCh37 (hg19) VCF-style: chr1-161293427-G-A.
Other names: c.44G>A, p.Arg15Gln (NM_001035511.3, NM_001035512.3, NM_001278172.3 and 2 more transcripts); c.-68G>A (NM_001407119.1); c.-186G>A (NM_001407120.1); c.21-4759G>A (NM_001407116.1, NM_001407121.1, NM_001407117.1); c.20+9212G>A (NM_001035513.3); short protein forms R15Q.
Identifiers: ClinVar variation 655251 (VCV000655251.19), dbSNP rs1294873008, ClinGen allele CA343359420.

ClinVar aggregate classification (germline): Uncertain significance. Review status: criteria provided, multiple submitters, no conflicts (2 of 4 stars). 4 submissions from 4 submitters: Uncertain significance (4). Last evaluated 2025-06-16.

Conditions:
Pheochromocytoma/paraganglioma syndrome 3. Also called: SDHC-Related Hereditary Paraganglioma-Pheochromocytoma Syndrome (Paragangliomas 3); SDHC-Related Hereditary Paraganglioma-Pheochromocytoma Syndrome; GLOMUS TUMORS, FAMILIAL, 3; Paragangliomas 3. Identifiers: Orphanet 29072, MedGen C1854336, MONDO:0011544, OMIM 605373.
Gastrointestinal stromal tumor. Also called: Gastrointestinal stromal tumor, somatic; Gastrointestinal stroma tumor. Identifiers: Orphanet 44890, MedGen C0238198, MeSH D046152, MONDO:0011719, OMIM 606764, HP:0100723.
Hereditary cancer-predisposing syndrome. Also called: Neoplastic Syndromes, Hereditary; Tumor predisposition; Hereditary Cancer Syndrome; Hereditary neoplastic syndrome. Identifiers: Orphanet 140162, MedGen C0027672, MeSH D009386, MONDO:0015356.
Hereditary pheochromocytoma and paraganglioma. Also called: Hereditary paragangliomas and pheochromocytomas; Hereditary pheochromocytoma-paraganglioma; Hereditary Paraganglioma-Pheochromocytoma Syndromes. Identifiers: Orphanet 29072, MedGen C4274332, MONDO:0017366.

Allele frequency attached by ClinVar (database versions not stated): gnomAD exomes below 0.00001; TOPMed below 0.00001.
gnomAD v4.1: 4 of 1,613,492 alleles (0.00025%); highest among the groups gnomAD compares: African/African-American, 0.0013%; no homozygotes.

Submissions (4):

Ambry Genetics
Classification: Uncertain significance for Hereditary cancer-predisposing syndrome. Last evaluated: 2025-06-16. Review status: criteria provided, single submitter. Criteria: Ambry Variant Classification Scheme 2023. Collection method: clinical testing. Allele origin: germline.
Comment: The p.R15Q variant (also known as c.44G>A), located in coding exon 2 of the SDHC gene, results from a G to A substitution at nucleotide position 44. The arginine at codon 15 is replaced by glutamine, an amino acid with highly similar properties. This amino acid position is well conserved in available vertebrate species. In addition, the in silico prediction for this alteration is inconclusive. Since supporting evidence is limited at this time, the clinical significance of this alteration remains unclear.

Labcorp Genetics (formerly Invitae), Labcorp
Classification: Uncertain significance for Pheochromocytoma/paraganglioma syndrome 3; Gastrointestinal stromal tumor. Last evaluated: 2025-03-20. Review status: criteria provided, single submitter. Criteria: Invitae Variant Classification Sherloc (09022015). Collection method: clinical testing. Allele origin: germline.
Comment: This sequence change replaces arginine, which is basic and polar, with glutamine, which is neutral and polar, at codon 15 of the SDHC protein (p.Arg15Gln). This variant is present in population databases (no rsID available, gnomAD 0.0009%). This variant has not been reported in the literature in individuals affected with SDHC-related conditions. ClinVar contains an entry for this variant (Variation ID: 655251). An algorithm developed to predict the effect of missense changes on protein structure and function (PolyPhen-2) suggests that this variant is likely to be tolerated. In summary, the available evidence is currently insufficient to determine the role of this variant in disease. Therefore, it has been classified as a Variant of Uncertain Significance.

Baylor Genetics
Classification: Uncertain significance for Gastrointestinal stromal tumor. Last evaluated: 2024-01-09. Review status: criteria provided, single submitter. Criteria: ACMG Guidelines, 2015. Collection method: clinical testing. Allele origin: unknown.

All of Us Research Program, National Institutes of Health
Classification: Uncertain significance for Hereditary pheochromocytoma and paraganglioma. Last evaluated: 2023-11-30. Review status: criteria provided, single submitter. Criteria: ACMG Guidelines, 2015. Collection method: clinical testing. Allele origin: germline. Inheritance: Autosomal dominant inheritance. Observed: 1 variant allele, 1 heterozygote.
Comment: This study involves interpretation of variants in research participants for the purpose of population health screening. Participant phenotype was not available at the time of variant classification. Additional details can be found in publication PMID: 35346344, PMCID: PMC8962531